The following is an entry in ClinVar:

NM_002645.4(PIK3C2A):c.4997A>G (p.Lys1666Arg)

Gene: PIK3C2A (phosphatidylinositol-4-phosphate 3-kinase catalytic subunit type 2 alpha; minus strand). Cytogenetic location: 11p15.1.
Variant type: single nucleotide variant.
Coding change: c.4997A>G on transcript NM_002645.4 (MANE Select); coding-DNA position 4997, A replaced by G.
Protein change: p.Lys1666Arg; replaces lysine 1666 with arginine.
Molecular consequence: missense variant.
Genome position (GRCh38, 1-based): chr11:17,089,802, T>C on the plus strand (A>G on the coding strand, the complement: PIK3C2A is on the minus strand). VCF-style: chr11-17089802-T-C. GRCh37 (hg19) VCF-style: chr11-17111349-T-C.
Other names: c.4997A>G, p.Lys1666Arg (NM_001321378.2); c.3857A>G, p.Lys1286Arg (NM_001321380.2); c.4829A>G, p.Lys1610Arg (NM_001386870.1); c.4997A>G (NM_002645.2); short protein forms K1286R, K1610R, K1666R.
Identifiers: ClinVar variation 1906752 (VCV001906752.4), dbSNP rs747576036, ClinGen allele CA5900398.
Genomic context (GRCh38, chr11:17,089,802, plus strand): 5'-AAGTATGTTGCCGCAGTCAGCTGATACCATTTAACCGTCTCTTTGCTCAAGTTGAAATCT[T>C]TCAAAGGCAGGGTTACTCCACCCAAGAAAAAATTCTCCCGCAGAGATTCTGCACTGAGTA-3'
Protein context (NP_002636.2, residues 1656-1676): FFLGGVTLPL[Lys1666Arg]DFNLSKETVK

ClinVar aggregate classification (germline): Uncertain significance. Review status: criteria provided, multiple submitters, no conflicts (2 of 4 stars). 2 submissions from 2 submitters: Uncertain significance (2). Last evaluated 2024-06-10.

Allele frequency attached by ClinVar (database versions not stated): gnomAD exomes 0.00001; TOPMed 0.00001; ExAC 0.00002.
gnomAD v4.1: 18 of 1,614,082 alleles (0.0011%); highest among the groups gnomAD compares: Non-Finnish European, 0.0014%; no homozygotes.

Submissions (2):

Ambry Genetics
Classification: Uncertain significance. Last evaluated: 2024-06-10. Review status: criteria provided, single submitter. Criteria: Ambry Variant Classification Scheme 2023. Collection method: clinical testing. Allele origin: germline.

Labcorp Genetics (formerly Invitae), Labcorp
Classification: Uncertain significance. Last evaluated: 2024-05-04. Review status: criteria provided, single submitter. Criteria: Invitae Variant Classification Sherloc (09022015). Collection method: clinical testing. Allele origin: germline.
Comment: This sequence change replaces lysine, which is basic and polar, with arginine, which is basic and polar, at codon 1666 of the PIK3C2A protein (p.Lys1666Arg). This variant is present in population databases (rs747576036, gnomAD 0.003%). This variant has not been reported in the literature in individuals affected with PIK3C2A-related conditions. ClinVar contains an entry for this variant (Variation ID: 1906752). An algorithm developed to predict the effect of missense changes on protein structure and function (PolyPhen-2) suggests that this variant¬†is likely to be tolerated. In summary, the available evidence is currently insufficient to determine the role of this variant in disease. Therefore, it has been classified as a Variant of Uncertain Significance.